The following is an entry in ClinVar:

ClinVar aggregate classification (germline): Pathogenic. Review status: criteria provided, multiple submitters, no conflicts (2 of 4 stars). 8 submissions from 8 submitters: Pathogenic (7). 1 of the submissions does not count toward it. Last evaluated 2026-01-31.

Conditions:
Hereditary cancer-predisposing syndrome. Also called: Neoplastic Syndromes, Hereditary; Hereditary neoplastic syndrome; Hereditary Cancer Syndrome; Tumor predisposition. Identifiers: Orphanet 140162, MedGen C0027672, MeSH D009386, MONDO:0015356.
Familial cancer of breast. Also called: hereditary breast carcinoma; BREAST CANCER, FAMILIAL; Hereditary breast cancer. Identifiers: Orphanet 227535, MedGen C0346153, MONDO:0016419, OMIM 114480. Disease mechanism: loss of function.
Malignant tumor of breast. Also called: Malignant breast neoplasm; Cancer breast. Identifiers: MedGen C0006142, MONDO:0007254. Disease mechanism: loss of function.

Submissions (8):

Labcorp Genetics (formerly Invitae), Labcorp
Classification: Pathogenic for Familial cancer of breast. Last evaluated: 2026-01-31. Review status: criteria provided, single submitter. Criteria: Invitae Variant Classification Sherloc (09022015). Collection method: clinical testing. Allele origin: germline.
Comment: This sequence change creates a premature translational stop signal (p.Leu1006*) in the PALB2 gene. It is expected to result in an absent or disrupted protein product. Loss-of-function variants in PALB2 are known to be pathogenic (PMID: 17200668, 17200671, 17200672, 24136930, 25099575). This variant is not present in population databases (gnomAD no frequency). This premature translational stop signal has been observed in individual(s) with melanoma (PMID: 31382929). ClinVar contains an entry for this variant (Variation ID: 265633). For these reasons, this variant has been classified as Pathogenic.

Ambry Genetics
Classification: Pathogenic for Hereditary cancer-predisposing syndrome. Last evaluated: 2024-09-20. Review status: criteria provided, single submitter. Criteria: Ambry Variant Classification Scheme 2023. Collection method: clinical testing. Allele origin: germline.
Comment: The c.3017delT pathogenic mutation, located in coding exon 10 of the PALB2 gene, results from a deletion of one nucleotide at nucleotide position 3017, causing a translational frameshift with a predicted alternate stop codon (p.L1006*). This variant is considered to be rare based on population cohorts in the Genome Aggregation Database (gnomAD). In addition to the clinical data presented in the literature, this alteration is expected to result in loss of function by premature protein truncation or nonsense-mediated mRNA decay. As such, this alteration is interpreted as a disease-causing mutation.

Women's Health and Genetics/Laboratory Corporation of America, LabCorp
Classification: Pathogenic for Malignant tumor of breast. Last evaluated: 2023-12-04. Review status: criteria provided, single submitter. Criteria: LabCorp Variant Classification Summary - May 2015. Collection method: clinical testing. Allele origin: germline.
Comment: Variant summary: PALB2 c.3017delT (p.Leu1006X) results in a premature termination codon, predicted to cause absence of the protein due to nonsense mediated decay, which is a commonly known mechanism for disease. The variant was absent in 251428 control chromosomes (gnomAD). c.3017delT has been reported in the literature in multiple individuals affected with multiple primary melanomas (Casula_2019). These data indicate that the variant is very likely to be associated with disease. To our knowledge, no experimental evidence demonstrating an impact on protein function has been reported. The following publication has been ascertained in the context of this evaluation (PMID: 31382929). Five submitters have cited clinical-significance assessments for this variant to ClinVar after 2014. All submitters classified the variant as pathogenic/likely pathogenic. Based on the evidence outlined above, the variant was classified as pathogenic.

Myriad Genetics, Inc.
Classification: Pathogenic for Familial cancer of breast. Last evaluated: 2023-03-30. Review status: criteria provided, single submitter. Criteria: Myriad Autosomal Dominant, Autosomal Recessive and X-Linked Classification Criteria (2023). Collection method: clinical testing. Allele origin: unknown.
Comment: This variant is considered pathogenic. This variant creates a termination codon and is predicted to result in premature protein truncation.

Color Diagnostics, LLC DBA Color Health
Classification: Pathogenic for Hereditary cancer-predisposing syndrome. Last evaluated: 2023-01-24. Review status: criteria provided, single submitter. Criteria: ACMG Guidelines, 2015. Collection method: clinical testing. Allele origin: germline.
Comment: This variant deletes 1 nucleotide in exon 10 of the PALB2 gene, creating a frameshift and premature translation stop signal. This variant is expected to result in an absent or non-functional protein product. This variant has been reported in individuals affected with multiple primary melanomas (PMID: 31382929). This variant has not been identified in the general population by the Genome Aggregation Database (gnomAD). Loss of PALB2 function is a known mechanism of disease. Based on the available evidence, this variant is classified as Pathogenic.

Baylor Genetics
Classification: Pathogenic for Familial cancer of breast. Last evaluated: 2022-05-10. Review status: criteria provided, single submitter. Criteria: ACMG Guidelines, 2015. Collection method: clinical testing. Allele origin: unknown.

GeneDx
Classification: Pathogenic. Last evaluated: 2019-12-31. Review status: criteria provided, single submitter. Criteria: GeneDx Variant Classification (06012015). Collection method: clinical testing. Allele origin: germline. Affected: yes.
Comment: Nonsense variant predicted to result in protein truncation or nonsense mediated decay in a gene for which loss-of-function is a known mechanism of disease; Observed in at least one individual with multiple primary melanomas (Casula 2019); Not observed in large population cohorts (Lek 2016) This variant is associated with the following publications: (PMID: 31382929)

Counsyl
Classification: Likely pathogenic for Familial cancer of breast. Last evaluated: 2016-11-22. Review status: no assertion criteria provided. Collection method: clinical testing. Allele origin: unknown. Not counted in ClinVar's aggregate classification.

Literature cited by the submitters: PubMed 17200668 (cited by Labcorp Genetics (formerly Invitae), Labcorp); PubMed 17200671 (cited by Labcorp Genetics (formerly Invitae), Labcorp); PubMed 17200672 (cited by Labcorp Genetics (formerly Invitae), Labcorp); PubMed 24136930 (cited by Labcorp Genetics (formerly Invitae), Labcorp); PubMed 25099575 (cited by Labcorp Genetics (formerly Invitae), Labcorp); PubMed 31382929 (cited by 3 submitters).

NM_024675.4(PALB2):c.3017del (p.Phe1005_Leu1006insTer)

Gene: PALB2 (partner and localizer of BRCA2; minus strand). Cytogenetic location: 16p12.2.
Variant type: Deletion.
Coding change: c.3017del on transcript NM_024675.4 (MANE Select); coding-DNA position 3017, one base deleted (T; older notation c.3017delT).
Protein change: p.Phe1005_Leu1006insTer.
Molecular consequence: nonsense.
Genome position (GRCh38, 1-based): chr16:23,621,458, A deleted on the plus strand (T on the coding strand, the reverse complement: PALB2 is on the minus strand); the first of 5 consecutive A bases (chr16:23,621,458-23,621,462); deleting any one gives the same sequence. VCF-style (leftmost placement, unchanged base first): chr16-23621457-CA-C. GRCh37 (hg19) VCF-style: chr16-23632778-CA-C.
Other names: c.3017delT (NM_024675.3, NM_024675.4).
Identifiers: ClinVar variation 265633 (VCV000265633.26), dbSNP rs886039683, ClinGen allele CA10588604.